The following is an entry in ClinVar:

ClinVar aggregate classification (germline): Likely pathogenic. Review status: criteria provided, multiple submitters, no conflicts (2 of 4 stars). 3 submissions from 3 submitters: Likely pathogenic (2). 1 of the submissions does not count toward it. Last evaluated 2024-02-28.

Conditions:
Arthrogryposis multiplex congenita 6. Identifiers: MedGen C5543431, MONDO:0030281, OMIM 619334.
Nemaline myopathy 2 (NEM2). Also called: Nemaline myopathy 2, autosomal recessive. Identifiers: MedGen C1850569, MONDO:0009725, OMIM 256030.

Submissions (3):

Fulgent Genetics
Classification: Likely pathogenic for Nemaline myopathy 2; Arthrogryposis multiplex congenita 6. Last evaluated: 2024-02-28. Review status: criteria provided, single submitter. Criteria: ACMG Guidelines, 2015. Collection method: clinical testing. Allele origin: germline.

Juno Genomics, Hangzhou Juno Genomics, Inc
Classification: Likely pathogenic for Arthrogryposis multiplex congenita 6; Nemaline myopathy 2. Review status: criteria provided, single submitter. Criteria: ACMG Guidelines, 2015. Collection method: clinical testing. Allele origin: germline.
Comment: Null variant in a gene where loss of function (LOF) is a known mechanism of disease.;Absent from controls (or at extremely low frequency if recessive) in Genome Aggregation Database.

Counsyl
Classification: Uncertain significance for Nemaline myopathy 2. Last evaluated: 2017-08-22. Review status: no assertion criteria provided. Collection method: clinical testing. Allele origin: unknown. Not counted in ClinVar's aggregate classification.

NM_001164508.2(NEB):c.24003_24006del (p.Asn8001fs)

Genes: NEB (nebulin; minus strand), RIF1 (replication timing regulatory factor 1; plus strand). Cytogenetic location: 2q23.3.
Variant type: Microsatellite.
Coding change: c.24003_24006del on transcript NM_001164508.2 (MANE Select); coding-DNA positions 24003 to 24006, 4 bases deleted (TCAA; older notation c.24003_24006delTCAA).
Protein change: p.Asn8001fs; shifts the reading frame from asparagine 8001.
Molecular consequence: frameshift variant. On other transcripts: intron variant (1).
Genome position (GRCh38, 1-based): chr2:151,501,406-151,501,409, TTGA deleted on the plus strand (TCAA on the coding strand, the reverse complement: NEB is on the minus strand); deleting any 4 consecutive bases within chr2:151,501,406-151,501,413 gives the same sequence; the c. name uses the placement nearest the transcript's 3' end. VCF-style (leftmost placement, unchanged base first): chr2-151501405-CTTGA-C. GRCh37 (hg19) VCF-style: chr2-152357919-CTTGA-C.
Other names: c.24003_24006del, p.Asn8001fs (NM_001164507.2); c.24108_24111del, p.Asn8036fs (NM_001271208.2); c.18825+1384_18825+1387del (NM_004543.5); short protein forms N8001fs, N8036fs.
Identifiers: ClinVar variation 553504 (VCV000553504.5), dbSNP rs1553568447, ClinGen allele CA658821214.
Genomic context (GRCh38, chr2:151,501,405, plus strand): 5'-AATTATTATTTTTTAATATGGAGTTAAAGAGCTTTCTCCCAAATACCGAGCTAAAGTTTT[CTTGA>C]TTGAGTTTGACTCGCTCCATCTCAGGAGTGACAGGTAGGGGAGTCCCCTTGCTCAAGTTC-3'